The following is an entry in ClinVar:

ClinVar aggregate classification (germline): Uncertain significance (1 of 4 stars; one submission).

gnomAD v4.1: 1 of 1,545,740 alleles (0.000065%); highest among the groups gnomAD compares: Non-Finnish European, 0.000087%; no homozygotes.

Submission:

CeGaT Center for Human Genetics Tuebingen
Classification: Uncertain significance. Last evaluated: 2026-10-01. Review status: criteria provided, single submitter. Criteria: CeGaT Center For Human Genetics Tuebingen Variant Classification Criteria Version 2. Collection method: clinical testing. Allele origin: germline. Affected: yes. Observed: 1 variant allele.
Comment: SLC39A12: PM2, BP4

NM_001145195.2(SLC39A12):c.924+7C>G

Gene: SLC39A12 (solute carrier family 39 member 12; plus strand). Cytogenetic location: 10p12.33.
Variant type: single nucleotide variant.
Coding change: c.924+7C>G on transcript NM_001145195.2 (MANE Select); 7 bases into the intron after coding-DNA position 924, C replaced by G.
Molecular consequence: intron variant.
Genome position (GRCh38, 1-based): chr10:17,978,081, C>G. VCF-style: chr10-17978081-C-G. GRCh37 (hg19) VCF-style: chr10-18267010-C-G.
Other names: c.924+7C>G (NM_001282733.2, NM_152725.4); c.522+7C>G (NM_001282734.2).
Identifiers: ClinVar variation 5041816 (VCV005041816.1).